The following is an entry in ClinVar:

ClinVar aggregate classification (germline): Uncertain significance (1 of 4 stars; one submission).

Submission:

Labcorp Genetics (formerly Invitae), Labcorp
Classification: Uncertain significance. Last evaluated: 2025-06-17. Review status: criteria provided, single submitter. Criteria: Invitae Variant Classification Sherloc (09022015). Collection method: clinical testing. Allele origin: germline.
Comment: This sequence change replaces valine, which is neutral and non-polar, with leucine, which is neutral and non-polar, at codon 1156 of the ERCC6L2 protein (p.Val1156Leu). This variant is not present in population databases (gnomAD no frequency). This variant has not been reported in the literature in individuals affected with ERCC6L2-related conditions. Experimental studies and prediction algorithms are not available or were not evaluated, and the functional significance of this variant is currently unknown. In summary, the available evidence is currently insufficient to determine the role of this variant in disease. Therefore, it has been classified as a Variant of Uncertain Significance.

NM_020207.7(ERCC6L2):c.3433G>C (p.Val1145Leu)

Gene: ERCC6L2 (ERCC excision repair 6 like 2; plus strand). Cytogenetic location: 9q22.32.
Variant type: single nucleotide variant.
Coding change: c.3433G>C on transcript NM_020207.7 (MANE Select); coding-DNA position 3433, G replaced by C.
Protein change: p.Val1145Leu; replaces valine 1145 with leucine.
Molecular consequence: missense variant. On other transcripts: non-coding transcript variant (1).
Genome position (GRCh38, 1-based): chr9:95,978,156, G>C. VCF-style: chr9-95978156-G-C. GRCh37 (hg19) VCF-style: chr9-98740438-G-C.
Other names: c.3433G>C, p.Val1145Leu (NM_001375291.1, NM_001375292.1, NM_001375293.1 and 1 more transcripts); short protein forms V1145L.
Identifiers: ClinVar variation 4778493 (VCV004778493.1).